The following is an entry in ClinVar:

NM_000287.4(PEX6):c.1747G>A (p.Val583Met)

Gene: PEX6 (peroxisomal biogenesis factor 6; minus strand). Cytogenetic location: 6p21.1.
Variant type: single nucleotide variant.
Coding change: c.1747G>A on transcript NM_000287.4 (MANE Select); coding-DNA position 1747, G replaced by A.
Protein change: p.Val583Met; replaces valine 583 with methionine.
Molecular consequence: missense variant. On other transcripts: non-coding transcript variant (1).
Genome position (GRCh38, 1-based): chr6:42,967,505, C>T on the plus strand (G>A on the coding strand, the complement: PEX6 is on the minus strand). VCF-style: chr6-42967505-C-T. GRCh37 (hg19) VCF-style: chr6-42935243-C-T.
Other names: c.1747G>A (NM_000287.3); c.1483G>A, p.Val495Met (NM_001316313.2); short protein forms V583M, V495M.
Identifiers: ClinVar variation 1388323 (VCV001388323.7), dbSNP rs750996699, ClinGen allele CA3811226.
Genomic context (GRCh38, chr6:42,967,505, plus strand): 5'-TGAGCCGCTGCCCCTCTGACAGAGCAGGCACCTCGAGCTCATGAGGAAATGCTGTCTGCA[C>T]ATCAGCAGGCAGGTCCTGGGCCCGGCTTGTGGTGGCCACAACCATGAGGGGAGGGCAGCT-3'
Protein context (NP_000278.3, residues 573-593): TSRAQDLPAD[Val583Met]QTAFPHELEV

ClinVar aggregate classification (germline): Uncertain significance. Review status: criteria provided, multiple submitters, no conflicts (2 of 4 stars). 3 submissions from 3 submitters: Uncertain significance (3). Last evaluated 2024-10-10.

Conditions:
Peroxisome biogenesis disorder. Identifiers: Orphanet 79189, MedGen C1832200, MONDO:0019234. Disease mechanism: loss of function.
Inborn genetic diseases. Identifiers: MedGen C0950123, MeSH D030342.

Allele frequency attached by ClinVar (database versions not stated): gnomAD 0.00001; gnomAD exomes 0.00001; TOPMed 0.00001; ExAC 0.00002.
gnomAD v4.1: 10 of 1,609,142 alleles (0.00062%); highest among the groups gnomAD compares: Middle Eastern, 0.017%; no homozygotes.

Submissions (3):

Blueprint Genetics
Classification: Uncertain significance. Last evaluated: 2024-10-10. Review status: criteria provided, single submitter. Criteria: ACMG Guidelines, 2015. Collection method: clinical testing. Allele origin: germline.

Ambry Genetics
Classification: Uncertain significance for Inborn genetic diseases. Last evaluated: 2022-11-07. Review status: criteria provided, single submitter. Criteria: Ambry Variant Classification Scheme 2023. Collection method: clinical testing. Allele origin: germline.

Labcorp Genetics (formerly Invitae), Labcorp
Classification: Uncertain significance for Peroxisome biogenesis disorder. Last evaluated: 2022-07-11. Review status: criteria provided, single submitter. Criteria: Invitae Variant Classification Sherloc (09022015). Collection method: clinical testing. Allele origin: germline.
Comment: This sequence change replaces valine, which is neutral and non-polar, with methionine, which is neutral and non-polar, at codon 583 of the PEX6 protein (p.Val583Met). This variant is present in population databases (rs750996699, gnomAD 0.006%). This variant has not been reported in the literature in individuals affected with PEX6-related conditions. ClinVar contains an entry for this variant (Variation ID: 1388323). Algorithms developed to predict the effect of missense changes on protein structure and function are either unavailable or do not agree on the potential impact of this missense change (SIFT: "Deleterious"; PolyPhen-2: "Benign"; Align-GVGD: "Class C0"). In summary, the available evidence is currently insufficient to determine the role of this variant in disease. Therefore, it has been classified as a Variant of Uncertain Significance.